The following is an entry in ClinVar:

NM_000186.4(CFH):c.1651A>G (p.Ile551Val)

Gene: CFH (complement factor H; plus strand). Cytogenetic location: 1q31.3.
Variant type: single nucleotide variant.
Coding change: c.1651A>G on transcript NM_000186.4 (MANE Select); coding-DNA position 1651, A replaced by G.
Protein change: p.Ile551Val; replaces isoleucine 551 with valine.
Molecular consequence: missense variant.
Genome position (GRCh38, 1-based): chr1:196,715,724, A>G. VCF-style: chr1-196715724-A-G. GRCh37 (hg19) VCF-style: chr1-196684854-A-G.
Other names: short protein forms I551V.
Identifiers: ClinVar variation 4291405 (VCV004291405.1).

ClinVar aggregate classification (germline): Uncertain significance (1 of 4 stars; one submission).

Conditions:
Atypical hemolytic-uremic syndrome. Identifiers: Orphanet 2134, MedGen C2931788, MONDO:0016244.
Basal laminar drusen. Also called: DRUSEN OF BRUCH MEMBRANE; DRUSEN, CUTICULAR; DRUSEN, EARLY ADULT-ONSET, GROUPED. Identifiers: Orphanet 75376, MedGen C0730295, MONDO:0007472, OMIM 126700.
Factor H deficiency (CFHD). Also called: COMPLEMENT FACTOR H DEFICIENCY; CFH DEFICIENCY. Identifiers: Orphanet 200421, MedGen C0398777, MONDO:0012350, OMIM 609814.
Age related macular degeneration 4. Identifiers: MedGen C1853147, MONDO:0012540, OMIM 610698.

gnomAD v4.1: 2 of 1,612,938 alleles (0.00012%); highest among the groups gnomAD compares: South Asian, 0.0022%; no homozygotes.

Submission:

Genomenon, Inc
Classification: Uncertain significance for Basal laminar drusen; Age related macular degeneration 4; Atypical hemolytic-uremic syndrome; Factor H deficiency. Last evaluated: 2025-10-02. Review status: criteria provided, single submitter. Criteria: Genomenon Sequence Variant Interpretation Standards - Updated. Collection method: curation. Allele origin: germline. Affected: no.
Comment: CFH p.Ile551Val (c.1651A>G) is a missense variant that changes the amino acid at residue 551 from Isoleucine to Valine. This variant has been reported in the published literature (PMID:36211394). It is absent or not present at a significant frequency in gnomAD. In silico models agree that this variant is not damaging. In conclusion, we classify CFH p.Ile551Val (c.1651A>G) as a variant of uncertain significance.

Literature cited by the submitters: PubMed 36211394.